The following is an entry in ClinVar:

ClinVar aggregate classification (germline): Uncertain significance (1 of 4 stars; one submission).

Conditions:
Kufor-Rakeb syndrome (KRS). Also called: PARKINSON DISEASE 9, AUTOSOMAL RECESSIVE, JUVENILE-ONSET. Identifiers: Orphanet 306674, Orphanet 314632, MedGen C1847640, MONDO:0011706, OMIM 606693.
Autosomal recessive spastic paraplegia type 78. Identifiers: Orphanet 513436, MedGen C5567893, MONDO:0014975, OMIM 617225.

Allele frequency attached by ClinVar (database versions not stated): TOPMed below 0.00001.

Submission:

Labcorp Genetics (formerly Invitae), Labcorp
Classification: Uncertain significance for Kufor-Rakeb syndrome; Autosomal recessive spastic paraplegia type 78. Last evaluated: 2019-12-01. Review status: criteria provided, single submitter. Criteria: Invitae Variant Classification Sherloc (09022015). Collection method: clinical testing. Allele origin: germline.
Comment: This variant is not present in population databases (ExAC no frequency). This sequence change replaces histidine with aspartic acid at codon 369 of the ATP13A2 protein (p.His369Asp). The histidine residue is moderately conserved and there is a moderate physicochemical difference between histidine and aspartic acid. This variant has not been reported in the literature in individuals with ATP13A2-related conditions. In summary, the available evidence is currently insufficient to determine the role of this variant in disease. Therefore, it has been classified as a Variant of Uncertain Significance. Algorithms developed to predict the effect of missense changes on protein structure and function are either unavailable or do not agree on the potential impact of this missense change (SIFT: "Tolerated"; PolyPhen-2: "Possibly Damaging"; Align-GVGD: "Class C0").

NM_022089.4(ATP13A2):c.1105C>G (p.His369Asp)

Gene: ATP13A2 (ATPase cation transporting 13A2; minus strand). Cytogenetic location: 1p36.13.
Variant type: single nucleotide variant.
Coding change: c.1105C>G on transcript NM_022089.4 (MANE Select); coding-DNA position 1105, C replaced by G.
Protein change: p.His369Asp; replaces histidine 369 with aspartic acid.
Molecular consequence: missense variant.
Genome position (GRCh38, 1-based): chr1:16,997,110, G>C on the plus strand (C>G on the coding strand, the complement: ATP13A2 is on the minus strand). VCF-style: chr1-16997110-G-C. GRCh37 (hg19) VCF-style: chr1-17323605-G-C.
Other names: c.1090C>G, p.His364Asp (NM_001141973.3, NM_001141974.3); short protein forms H364D, H369D.
Identifiers: ClinVar variation 845242 (VCV000845242.7), dbSNP rs2077158233, ClinGen allele CA338255161.